The following is an entry in ClinVar:

ClinVar aggregate classification (germline): Conflicting classifications of pathogenicity. Review status: criteria provided, conflicting classifications (1 of 4 stars). 2 submissions from 2 submitters: Pathogenic (1); Uncertain significance (1). Last evaluated 2023-05-02.

Conditions:
Hereditary spastic paraplegia 62. Also called: Spastic paraplegia 62, autosomal recessive. Identifiers: Orphanet 401785, MedGen C4284588, MONDO:0014302, OMIM 615681.

Submissions (2):

Broad Center for Mendelian Genomics, Broad Institute of MIT and Harvard
Classification: Pathogenic for Hereditary spastic paraplegia 62. Last evaluated: 2023-05-02. Review status: criteria provided, single submitter. Criteria: ACMG Guidelines, 2015. Collection method: curation. Allele origin: germline. Inheritance: Autosomal recessive inheritance.
Comment: The homozygous c.196-1G>A variant in ERLIN1 was identified by our study in two siblings with spastic paraplegia. The c.196-1G>A variant in ERLIN1 has not been previously reported in individuals with hereditary spastic paraplegia 62. This variant is absent from population databases. This variant is located in the 3' splice region. Computational tools predict a splicing impact, though this information is not predictive enough to determine pathogenicity. Loss of function of the ERLIN1 gene is an established disease mechanism in autosomal recessive hereditary spastic paraplegia 62. In summary, this variant meets criteria to be classified as pathogenic for autosomal recessive hereditary spastic paraplegia 62. ACMG/AMP Criteria applied: PVS1, PM2_Supporting, PM3_Supporting (Richards 2015).

Genetics Laboratory, Department of Biology, Semnan University
Classification: Uncertain significance for Hereditary spastic paraplegia 62. Last evaluated: 2022-04-19. Review status: criteria provided, single submitter. Criteria: ACMG Guidelines, 2015. Collection method: research. Allele origin: germline. Inheritance: Autosomal recessive inheritance. Affected: yes. Observed: 1 variant allele, 1 homozygote.
Comment: The identified mutation changes splicing process of ERLIN1 gene. Hence, this mutation may affect this important phenomenon and so, changes ERLIN1 protein function

Literature cited by the submitters: DOI 10.1016/j.ejmg.2022.104608 (cited by Genetics Laboratory, Department of Biology, Semnan University).

NM_006459.4(ERLIN1):c.196-1G>A

Gene: ERLIN1 (ER lipid raft associated 1; minus strand). Cytogenetic location: 10q24.31.
Variant type: single nucleotide variant.
Coding change: c.196-1G>A on transcript NM_006459.4 (MANE Select); the canonical splice acceptor site of the intron before coding-DNA position 196, G replaced by A.
Molecular consequence: splice acceptor variant. On other transcripts: intron variant (1).
Genome position (GRCh38, 1-based): chr10:100,179,248, C>T on the plus strand (G>A on the coding strand, the complement: ERLIN1 is on the minus strand). VCF-style: chr10-100179248-C-T. GRCh37 (hg19) VCF-style: chr10-101939005-C-T.
Other names: NR_144760.2:n.438-1G>A; c.-57-1G>A (NM_001347856.2); c.-176-3178G>A (NM_001347858.2); c.196-1G>A (NM_001100626.2, NM_001347860.2, NM_001347861.2 and 2 more transcripts).
Identifiers: ClinVar variation 2500861 (VCV002500861.2), dbSNP rs2492926235, ClinGen allele CA378155866.